The following is an entry in ClinVar:

ClinVar aggregate classification (germline): Pathogenic. Review status: criteria provided, single submitter (1 of 4 stars). 2 submissions from 2 submitters: Pathogenic (1). 1 of the submissions does not count toward it. Last evaluated 2024-03-23.

Conditions:
Congenital sideroblastic anemia-B-cell immunodeficiency-periodic fever-developmental delay syndrome. Also called: Sideroblastic anemia with B-cell immunodeficiency, periodic fevers, and developmental delay. Identifiers: Orphanet 369861, MedGen C4015172, MONDO:0014487, OMIM 616084.

Submissions (2):

Labcorp Genetics (formerly Invitae), Labcorp
Classification: Pathogenic for Congenital sideroblastic anemia-B-cell immunodeficiency-periodic fever-developmental delay syndrome. Last evaluated: 2024-03-23. Review status: criteria provided, single submitter. Criteria: Invitae Variant Classification Sherloc (09022015). Collection method: clinical testing. Allele origin: germline.
Comment: This sequence change creates a premature translational stop signal (p.Met158Valfs*5) in the TRNT1 gene. It is expected to result in an absent or disrupted protein product. Loss-of-function variants in TRNT1 are known to be pathogenic (PMID: 25193871). This variant is not present in population databases (gnomAD no frequency). This variant has not been reported in the literature in individuals affected with TRNT1-related conditions. ClinVar contains an entry for this variant (Variation ID: 591063). For these reasons, this variant has been classified as Pathogenic.

Gharavi Laboratory, Columbia University
Classification: Uncertain significance. Last evaluated: 2018-09-16. Review status: no assertion criteria provided. Criteria: ACMG Guidelines, 2015. Collection method: research. Allele origin: germline. Affected: yes. Not counted in ClinVar's aggregate classification.

Literature cited by the submitters: PubMed 25193871 (cited by Labcorp Genetics (formerly Invitae), Labcorp).

NM_182916.3(TRNT1):c.472_473del (p.Met158fs)

Gene: TRNT1 (tRNA nucleotidyl transferase 1; plus strand). Cytogenetic location: 3p26.2.
Variant type: Deletion.
Coding change: c.472_473del on transcript NM_182916.3 (MANE Select); coding-DNA positions 472 to 473, 2 bases deleted (AT; older notation c.472_473delAT).
Protein change: p.Met158fs; shifts the reading frame from methionine 158.
Molecular consequence: frameshift variant. On other transcripts: non-coding transcript variant (6).
Genome position (GRCh38, 1-based): chr3:3,140,639-3,140,640, AT deleted; deleting any 2 consecutive bases within chr3:3,140,638-3,140,640 gives the same sequence; the c. name uses the placement nearest the transcript's 3' end. VCF-style (leftmost placement, unchanged base first): chr3-3140637-CTA-C. GRCh37 (hg19) VCF-style: chr3-3182321-CTA-C.
Other names: c.472_473del, p.Met158fs (LRG_1314t1, NM_001302946.2, NM_001367321.1 and 2 more transcripts); short protein forms M158fs.
Identifiers: ClinVar variation 591063 (VCV000591063.3), dbSNP rs1269738842, ClinGen allele CA645531012.